The following is an entry in ClinVar:

NM_005502.4(ABCA1):c.3149G>T (p.Gly1050Val)

Gene: ABCA1 (ATP binding cassette subfamily A member 1; minus strand). Cytogenetic location: 9q31.1.
Variant type: single nucleotide variant.
Coding change: c.3149G>T on transcript NM_005502.4 (MANE Select); coding-DNA position 3149, G replaced by T.
Protein change: p.Gly1050Val; replaces glycine 1050 with valine.
Molecular consequence: missense variant.
Genome position (GRCh38, 1-based): chr9:104,819,678, C>A on the plus strand (G>T on the coding strand, the complement: ABCA1 is on the minus strand). VCF-style: chr9-104819678-C-A. GRCh37 (hg19) VCF-style: chr9-107581959-C-A.
Other names: short protein forms G1050V.
Identifiers: ClinVar variation 2957027 (VCV002957027.3), dbSNP rs985622413, ClinGen allele CA197386654.

ClinVar aggregate classification (germline): Uncertain significance (1 of 4 stars; one submission).

Allele frequency attached by ClinVar (database versions not stated): gnomAD exomes below 0.00001; TOPMed 0.00001.
gnomAD v4.1: 1 of 1,614,210 alleles (0.000062%); highest among the groups gnomAD compares: Non-Finnish European, 0.000085%; no homozygotes.

Submission:

Labcorp Genetics (formerly Invitae), Labcorp
Classification: Uncertain significance. Last evaluated: 2023-11-10. Review status: criteria provided, single submitter. Criteria: Invitae Variant Classification Sherloc (09022015). Collection method: clinical testing. Allele origin: germline.
Comment: This sequence change replaces glycine, which is neutral and non-polar, with valine, which is neutral and non-polar, at codon 1050 of the ABCA1 protein (p.Gly1050Val). This variant is not present in population databases (gnomAD no frequency). This variant has not been reported in the literature in individuals affected with ABCA1-related conditions. Advanced modeling of protein sequence and biophysical properties (such as structural, functional, and spatial information, amino acid conservation, physicochemical variation, residue mobility, and thermodynamic stability) performed at Invitae indicates that this missense variant is not expected to disrupt ABCA1 protein function with a negative predictive value of 80%. In summary, the available evidence is currently insufficient to determine the role of this variant in disease. Therefore, it has been classified as a Variant of Uncertain Significance.